The following is an entry in ClinVar:

NM_000256.3(MYBPC3):c.2001A>G (p.Leu667=)

Gene: MYBPC3 (myosin binding protein C3; minus strand). Cytogenetic location: 11p11.2.
Variant type: single nucleotide variant.
Coding change: c.2001A>G on transcript NM_000256.3 (MANE Select); coding-DNA position 2001, A replaced by G.
Protein change: p.Leu667=; no amino-acid change (leucine 667 retained).
Molecular consequence: synonymous variant.
Genome position (GRCh38, 1-based): chr11:47,339,717, T>C on the plus strand (A>G on the coding strand, the complement: MYBPC3 is on the minus strand). VCF-style: chr11-47339717-T-C. GRCh37 (hg19) VCF-style: chr11-47361268-T-C.
Identifiers: ClinVar variation 1592408 (VCV001592408.9), dbSNP rs2095886373, ClinGen allele CA474217715.
Genomic context (GRCh38, chr11:47,339,717, plus strand): 5'-GATAGCCTTCTGCCAGATCACAGTGGGAGCAGGGTCCCCAGAGATAGGGACGTCCAGACG[T>C]AGCTTATTTCCAGCTACAACCACAATGGTGTCTGGTATGCGGCCTGGGCAGTCCAGGTGG-3'
Protein context (NP_000247.2, residues 657-677): DTIVVVAGNK[Leu667=]RLDVPISGDP

ClinVar aggregate classification (germline): Likely benign. Review status: criteria provided, multiple submitters, no conflicts (2 of 4 stars). 2 submissions from 2 submitters: Likely benign (2). Last evaluated 2024-10-18.

Conditions:
Hypertrophic cardiomyopathy. Also called: HYPERTROPHIC MYOCARDIOPATHY. Identifiers: Orphanet 217569, MedGen C0007194, MeSH D002312, MONDO:0005045, HP:0001639.

Allele frequency attached by ClinVar (database versions not stated): TOPMed below 0.00001.
gnomAD v4.1: 1 of 1,613,920 alleles (0.000062%); no homozygotes.

Submissions (2):

Labcorp Genetics (formerly Invitae), Labcorp
Classification: Likely benign for Hypertrophic cardiomyopathy. Last evaluated: 2024-10-18. Review status: criteria provided, single submitter. Criteria: Invitae Variant Classification Sherloc (09022015). Collection method: clinical testing. Allele origin: germline.

All of Us Research Program, National Institutes of Health
Classification: Likely benign for Hypertrophic cardiomyopathy. Last evaluated: 2023-09-04. Review status: criteria provided, single submitter. Criteria: ACMG Guidelines, 2015. Collection method: clinical testing. Allele origin: germline. Inheritance: Autosomal dominant inheritance. Observed: 1 variant allele, 1 heterozygote.
Comment: This study involves interpretation of variants in research participants for the purpose of population health screening. Participant phenotype was not available at the time of variant classification. Additional details can be found in publication PMID: 35346344, PMCID: PMC8962531